The following is an entry in ClinVar:

ClinVar aggregate classification (germline): Uncertain significance (1 of 4 stars; one submission).

Conditions:
Hereditary spherocytosis type 1. Also called: Spherocytosis type 1; ANK1-Related Spherocytosis. Identifiers: Orphanet 822, MedGen C2674218, MONDO:0008447, OMIM 182900.

Submission:

ARUP Laboratories, Molecular Genetics and Genomics, ARUP Laboratories
Classification: Uncertain significance for Hereditary spherocytosis type 1. Last evaluated: 2025-02-19. Review status: criteria provided, single submitter. Criteria: ARUP Molecular Germline Variant Investigation Process 2024. Collection method: clinical testing. Allele origin: germline.
Comment: The ANK1 c.3860T>A; p.Val1287Glu variant, to our knowledge, is not reported in the medical literature or gene specific databases. This variant is also absent from the Genome Aggregation Database (v2.1.1), indicating it is not a common polymorphism. Computational analyses are uncertain whether this variant is neutral or deleterious (REVEL: 0.622). Due to limited information, the clinical significance of this variant is uncertain at this time.

NM_000037.4(ANK1):c.3860T>A (p.Val1287Glu)

Gene: ANK1 (ankyrin 1; minus strand). Cytogenetic location: 8p11.21.
Variant type: single nucleotide variant.
Coding change: c.3860T>A on transcript NM_000037.4 (MANE Select); coding-DNA position 3860, T replaced by A.
Protein change: p.Val1287Glu; replaces valine 1287 with glutamic acid.
Molecular consequence: missense variant.
Genome position (GRCh38, 1-based): chr8:41,690,598, A>T on the plus strand (T>A on the coding strand, the complement: ANK1 is on the minus strand). VCF-style: chr8-41690598-A-T. GRCh37 (hg19) VCF-style: chr8-41548116-A-T.
Other names: c.3983T>A, p.Val1328Glu (NM_001142446.2); c.3860T>A, p.Val1287Glu (NM_020475.3, NM_020476.3, NM_020477.3); short protein forms V1287E, V1328E.
Identifiers: ClinVar variation 4685627 (VCV004685627.1).